The following is an entry in ClinVar:

ClinVar aggregate classification (germline): Uncertain significance (1 of 4 stars; one submission).

Submission:

Labcorp Genetics (formerly Invitae), Labcorp
Classification: Uncertain significance. Last evaluated: 2022-10-17. Review status: criteria provided, single submitter. Criteria: Invitae Variant Classification Sherloc (09022015). Collection method: clinical testing. Allele origin: germline.
Comment: This variant is not present in population databases (gnomAD no frequency). This sequence change replaces methionine, which is neutral and non-polar, with arginine, which is basic and polar, at codon 965 of the EFL1 protein (p.Met965Arg). This variant has not been reported in the literature in individuals affected with EFL1-related conditions. In summary, the available evidence is currently insufficient to determine the role of this variant in disease. Therefore, it has been classified as a Variant of Uncertain Significance. Advanced modeling of protein sequence and biophysical properties (such as structural, functional, and spatial information, amino acid conservation, physicochemical variation, residue mobility, and thermodynamic stability) performed at Invitae indicates that this missense variant is expected to disrupt EFL1 protein function.

NM_024580.6(EFL1):c.2894T>G (p.Met965Arg)

Gene: EFL1 (elongation factor like GTPase 1; minus strand). Cytogenetic location: 15q25.2.
Variant type: single nucleotide variant.
Coding change: c.2894T>G on transcript NM_024580.6 (MANE Select); coding-DNA position 2894, T replaced by G.
Protein change: p.Met965Arg; replaces methionine 965 with arginine.
Molecular consequence: missense variant. On other transcripts: non-coding transcript variant (1).
Genome position (GRCh38, 1-based): chr15:82,151,560, A>C on the plus strand (T>G on the coding strand, the complement: EFL1 is on the minus strand). VCF-style: chr15-82151560-A-C. GRCh37 (hg19) VCF-style: chr15-82443901-A-C.
Other names: c.2741T>G, p.Met914Arg (NM_001040610.3); c.2105T>G, p.Met702Arg (NM_001322844.2); c.2894T>G, p.Met965Arg (NM_001322845.2); short protein forms M965R, M702R, M914R.
Identifiers: ClinVar variation 1943236 (VCV001943236.5), dbSNP rs2505307545, ClinGen allele CA393285958.
Genomic context (GRCh38, chr15:82,151,560, plus strand): 5'-TACATAGCTGCCATCAGGCGCTGAGGTTTCACTTGCAGTGCATAGCGACATGCTTCTTTC[A>C]TGGTGGCAATTAGCTGTCCTGAGAAAGGTCCATAGCAGTCAGTGAGTGGAGATTCTCCTT-3'
Protein context (NP_078856.4, residues 955-975): GPFSGQLIAT[Met965Arg]KEACRYALQV